The following is an entry in ClinVar:

ClinVar aggregate classification (germline): Conflicting classifications of pathogenicity. Review status: criteria provided, conflicting classifications (1 of 4 stars). 3 submissions from 3 submitters: Uncertain significance (1); Likely benign (2). Last evaluated 2025-12-30.

Conditions:
Neonatal-onset encephalopathy with rigidity and seizures. Also called: Lethal neonatal spasticity-epileptic encephalopathy syndrome. Identifiers: Orphanet 435845, MedGen C3281029, MONDO:0013784, OMIM 614498.
Inborn genetic diseases. Identifiers: MedGen C0950123, MeSH D030342.

Allele frequency attached by ClinVar (database versions not stated): ESP Exome Variant Server 0.00016; 1000 Genomes Project 0.00020; TOPMed 0.00018; 1000 Genomes Project 30x 0.00031.

Submissions (3):

Labcorp Genetics (formerly Invitae), Labcorp
Classification: Likely benign for Neonatal-onset encephalopathy with rigidity and seizures. Last evaluated: 2025-12-30. Review status: criteria provided, single submitter. Criteria: Invitae Variant Classification Sherloc (09022015). Collection method: clinical testing. Allele origin: germline.

Ambry Genetics
Classification: Likely benign for Inborn genetic diseases. Last evaluated: 2024-09-04. Review status: criteria provided, single submitter. Criteria: Ambry Variant Classification Scheme 2023. Collection method: clinical testing. Allele origin: germline.

GeneDx
Classification: Uncertain significance. Last evaluated: 2020-09-09. Review status: criteria provided, single submitter. Criteria: GeneDx Variant Classification Process June 2021. Collection method: clinical testing. Allele origin: germline. Affected: yes.
Comment: In silico analysis supports that this missense variant does not alter protein structure/function; Has not been previously published as pathogenic or benign to our knowledge

NM_152743.4(BRAT1):c.1866C>A (p.Asp622Glu)

Gene: BRAT1 (BRCA1 associated ATM activator 1; minus strand). Cytogenetic location: 7p22.3.
Variant type: single nucleotide variant.
Coding change: c.1866C>A on transcript NM_152743.4 (MANE Select); coding-DNA position 1866, C replaced by A.
Protein change: p.Asp622Glu; replaces aspartic acid 622 with glutamic acid.
Molecular consequence: missense variant. On other transcripts: non-coding transcript variant (1).
Genome position (GRCh38, 1-based): chr7:2,538,669, G>T on the plus strand (C>A on the coding strand, the complement: BRAT1 is on the minus strand). VCF-style: chr7-2538669-G-T. GRCh37 (hg19) VCF-style: chr7-2578303-G-T.
Other names: c.2046C>A, p.Asp682Glu (NM_001350626.2); c.1341C>A, p.Asp447Glu (NM_001350627.2); short protein forms D622E, D447E, D682E.
Identifiers: ClinVar variation 855292 (VCV000855292.11), dbSNP rs371142628, ClinGen allele CA4127536.